The following is an entry in ClinVar:

NM_002547.3(OPHN1):c.1270T>G (p.Phe424Val)

Gene: OPHN1 (oligophrenin 1; minus strand). Cytogenetic location: Xq12.
Variant type: single nucleotide variant.
Coding change: c.1270T>G on transcript NM_002547.3 (MANE Select); coding-DNA position 1270, T replaced by G.
Protein change: p.Phe424Val; replaces phenylalanine 424 with valine.
Molecular consequence: missense variant.
Genome position (GRCh38, 1-based): chrX:68,192,925, A>C on the plus strand (T>G on the coding strand, the complement: OPHN1 is on the minus strand). VCF-style: chrX-68192925-A-C. GRCh37 (hg19) VCF-style: chrX-67412767-A-C.
Other names: c.1270T>G (NM_002547.2); short protein forms F424V.
Identifiers: ClinVar variation 1297530 (VCV001297530.10), dbSNP rs942810312, ClinGen allele CA330817398.
Genomic context (GRCh38, chrX:68,192,925, plus strand): 5'-TCTTTGTAACACATAAAGTACTCCCAATAAGAATTATCAAAGTAAAATTGTTACCAAAAA[A>C]GGCATTCAGCAGCTTCTGAACCTGAATATTGCTGCCCACAGTGCGGTACAACCCTTCTGT-3'
Protein context (NP_002538.1, residues 414-434): NIQVQKLLNA[Phe424Val]FDPKCPGDVD

ClinVar aggregate classification (germline): Conflicting classifications of pathogenicity. Review status: criteria provided, conflicting classifications (1 of 4 stars). 7 submissions from 7 submitters: Uncertain significance (4); Likely benign (1). 2 of the submissions do not count toward it. Last evaluated 2026-07-01.

Conditions:
Inborn genetic diseases. Identifiers: MedGen C0950123, MeSH D030342.
Intellectual developmental disorder, X-linked, syndromic, Billuart type. Also called: MENTAL RETARDATION, X-LINKED 60; X-linked intellectual disability-cerebellar hypoplasia syndrome. Identifiers: Orphanet 137831, MedGen C1845366, MONDO:0010337, OMIM 300486.

Allele frequency attached by ClinVar (database versions not stated): gnomAD exomes 0.00001 and below 0.00001; TOPMed 0.00001.
gnomAD v4.1: 9 of 1,204,727 alleles (0.00075%); highest among the groups gnomAD compares: Admixed American, 0.0043%; no homozygotes.

Submissions (7):

CeGaT Center for Human Genetics Tuebingen
Classification: Likely benign. Last evaluated: 2026-07-01. Review status: criteria provided, single submitter. Criteria: CeGaT Center For Human Genetics Tuebingen Variant Classification Criteria Version 2. Collection method: clinical testing. Allele origin: germline. Affected: yes. Observed: 1 variant allele.
Comment: OPHN1: BS2

Ambry Genetics
Classification: Uncertain significance for Inborn genetic diseases. Last evaluated: 2024-01-09. Review status: criteria provided, single submitter. Criteria: Ambry Variant Classification Scheme 2023. Collection method: clinical testing. Allele origin: germline.

Revvity Omics, Revvity
Classification: Uncertain significance for Intellectual developmental disorder, X-linked, syndromic, Billuart type. Last evaluated: 2023-12-07. Review status: criteria provided, single submitter. Criteria: ACMG Guidelines, 2015. Collection method: clinical testing. Allele origin: germline.

Women's Health and Genetics/Laboratory Corporation of America, LabCorp
Classification: Uncertain significance. Last evaluated: 2023-01-26. Review status: criteria provided, single submitter. Criteria: LabCorp Variant Classification Summary - May 2015. Collection method: clinical testing. Allele origin: germline.
Comment: Variant summary: OPHN1 c.1270T>G (p.Phe424Val) results in a non-conservative amino acid change located in the Rho GTPase-activating protein domain (IPR000198) of the encoded protein sequence. Three of five in-silico tools predict a damaging effect of the variant on protein function. The variant allele was found at a frequency of 1.1e-05 in 182966 control chromosomes, including 2 hemizygotes (gnomAD). The available data on variant occurrences in the general population are insufficient to allow any conclusion about variant significance. To our knowledge, no occurrence of c.1270T>G in individuals affected with X-Linked Intellectual Disability-Cerebellar Hypoplasia Syndrome and no experimental evidence demonstrating its impact on protein function have been reported. No clinical diagnostic laboratories have submitted clinical-significance assessments for this variant to ClinVar after 2014. Based on the evidence outlined above, the variant was classified as uncertain significance.

Breakthrough Genomics
Classification: Uncertain significance. Review status: criteria provided, single submitter. Criteria: ACMG Guidelines, 2015. Collection method: not provided. Allele origin: germline. Inheritance: X-linked recessive inheritance. Affected: yes.

Clinical Genetics DNA and cytogenetics Diagnostics Lab, Erasmus MC, Erasmus Medical Center
Classification: Uncertain significance. Review status: no assertion criteria provided. Collection method: clinical testing. Allele origin: germline. Affected: yes. Study: VKGL Data-share Consensus. Not counted in ClinVar's aggregate classification.

Joint Genome Diagnostic Labs from Nijmegen and Maastricht, Radboudumc and MUMC+
Classification: Uncertain significance. Review status: no assertion criteria provided. Collection method: clinical testing. Allele origin: germline. Affected: yes. Study: VKGL Data-share Consensus. Not counted in ClinVar's aggregate classification.